The following is an entry in ClinVar:

NM_001034853.2(RPGR):c.2589_2603del (p.Gly865_Glu869del)

Gene: RPGR (retinitis pigmentosa GTPase regulator; minus strand). Cytogenetic location: Xp11.4.
Variant type: Deletion.
Coding change: c.2589_2603del on transcript NM_001034853.2 (MANE Select); coding-DNA positions 2589 to 2603, 15 bases deleted (AGAAGGAGAAGGGGA).
Protein change: p.Gly865_Glu869del.
Molecular consequence: inframe deletion. On other transcripts: intron variant (8).
Genome position (GRCh38, 1-based): chrX:38,286,396-38,286,410, TCCCCTTCTCCTTCT deleted on the plus strand (AGAAGGAGAAGGGGA on the coding strand, the reverse complement: RPGR is on the minus strand); deleting any 15 consecutive bases within chrX:38,286,396-38,286,419 gives the same sequence; the c. name uses the placement nearest the transcript's 3' end. VCF-style (leftmost placement, unchanged base first): chrX-38286395-CTCCCCTTCTCCTTCT-C. GRCh37 (hg19) VCF-style: chrX-38145648-CTCCCCTTCTCCTTCT-C.
Other names: c.1569+4549_1569+4563del (NM_001367249.1, NM_001367250.1); c.1902+684_1902+698del (NM_001367245.1); c.1386+4549_1386+4563del (NM_001367251.1); c.1719+684_1719+698del (NM_001367246.1); c.1572+4549_1572+4563del (NM_001367247.1); c.1905+684_1905+698del (NM_000328.3); c.1602+4549_1602+4563del (NM_001367248.1).
Identifiers: ClinVar variation 2195891 (VCV002195891.5), dbSNP rs1193509492, ClinGen allele CA875125842.

ClinVar aggregate classification (germline): Uncertain significance. Review status: criteria provided, multiple submitters, no conflicts (2 of 4 stars). 2 submissions from 2 submitters: Uncertain significance (2). Last evaluated 2025-03-17.

Conditions:
Primary ciliary dyskinesia. Also called: Ciliary dyskinesia. Identifiers: Orphanet 244, MedGen C0008780, MONDO:0016575, HP:0012265.

Submissions (2):

Labcorp Genetics (formerly Invitae), Labcorp
Classification: Uncertain significance for Primary ciliary dyskinesia. Last evaluated: 2025-03-17. Review status: criteria provided, single submitter. Criteria: Invitae Variant Classification Sherloc (09022015). Collection method: clinical testing. Allele origin: germline.
Comment: This variant, c.2589_2603del, results in the deletion of 5 amino acid(s) of the RPGR (ORF15) protein (p.Gly865_Glu869del), but otherwise preserves the integrity of the reading frame. The frequency data for this variant in the population databases is considered unreliable, as metrics indicate insufficient coverage at this position in the gnomAD database. This variant has not been reported in the literature in individuals affected with RPGR (ORF15)-related conditions. ClinVar contains an entry for this variant (Variation ID: 2195891). Experimental studies and prediction algorithms are not available or were not evaluated, and the functional significance of this variant is currently unknown. In summary, the available evidence is currently insufficient to determine the role of this variant in disease. Therefore, it has been classified as a Variant of Uncertain Significance.

Blueprint Genetics
Classification: Uncertain significance. Last evaluated: 2024-06-18. Review status: criteria provided, single submitter. Criteria: ACMG Guidelines, 2015. Collection method: clinical testing. Allele origin: germline.